The following is an entry in ClinVar:

NM_015692.5(CPAMD8):c.3145-1G>T

Gene: CPAMD8 (C3 and PZP like alpha-2-macroglobulin domain containing 8; minus strand). Cytogenetic location: 19p13.11.
Variant type: single nucleotide variant.
Coding change: c.3145-1G>T on transcript NM_015692.5 (MANE Select); the canonical splice acceptor site of the intron before coding-DNA position 3145, G replaced by T.
Molecular consequence: splice acceptor variant.
Genome position (GRCh38, 1-based): chr19:16,928,235, C>A on the plus strand (G>T on the coding strand, the complement: CPAMD8 is on the minus strand). VCF-style: chr19-16928235-C-A. GRCh37 (hg19) VCF-style: chr19-17039045-C-A.
Identifiers: ClinVar variation 4292380 (VCV004292380.1).

ClinVar aggregate classification (germline): Likely pathogenic (1 of 4 stars; one submission).

Conditions:
Anterior segment dysgenesis 8 (ASGD8). Identifiers: Orphanet 519388, MedGen C4310622, MONDO:0015017, OMIM 617319.

gnomAD v4.1: 11 of 1,608,304 alleles (0.00068%); highest among the groups gnomAD compares: Admixed American, 0.01%; no homozygotes.

Submission:

3billion
Classification: Likely pathogenic for Anterior segment dysgenesis 8. Last evaluated: 2024-09-29. Review status: criteria provided, single submitter. Criteria: ACMG Guidelines, 2015. Collection method: clinical testing. Allele origin: germline. Affected: yes.
Comment: The variant is observed at an extremely low frequency in the gnomAD v4.1.0 dataset (total allele frequency: 0.007%). Predicted Consequence/Location: Canonical splice site: predicted to alter splicing and result in a loss or disruption of normal protein function. Multiple pathogenic loss-of-function variants are reported downstream of the variant. In silico tools predict the variant to alter splicing and produce an abnormal transcript [SpliceAI: 0.85 (spliceogenicity >=0.2, non-spliceogenicity <0.1)]. The variant has been reported to be associated with CPAMD8 related disorder (ClinVar ID: VCV001324164). Therefore, this variant is classified as Pathogenic according to the recommendation of ACMG/AMP guideline.